The following is an entry in ClinVar:

NM_000053.4(ATP7B):c.2143T>C (p.Tyr715His)

Gene: ATP7B (ATPase copper transporting beta; minus strand). Cytogenetic location: 13q14.3.
Variant type: single nucleotide variant.
Coding change: c.2143T>C on transcript NM_000053.4 (MANE Select); coding-DNA position 2143, T replaced by C.
Protein change: p.Tyr715His; replaces tyrosine 715 with histidine.
Molecular consequence: missense variant. On other transcripts: intron variant (2).
Genome position (GRCh38, 1-based): chr13:51,958,523, A>G on the plus strand (T>C on the coding strand, the complement: ATP7B is on the minus strand). VCF-style: chr13-51958523-A-G. GRCh37 (hg19) VCF-style: chr13-52532659-A-G.
Other names: c.1810T>C, p.Tyr604His (NM_001243182.2); c.1891T>C, p.Tyr631His (NM_001330579.2); c.1870-916T>C (NM_001005918.3); c.2122-916T>C (NM_001330578.2); short protein forms Y715H, Y631H, Y604H.
Identifiers: ClinVar variation 556966 (VCV000556966.10), dbSNP rs1555291272, ClinGen allele CA388023342.
Genomic context (GRCh38, chr13:51,958,523, plus strand): 5'-GGACGATGAGCACGTCCATGTTGGCTGACCTGTGTCTCAGAGATTTGTAGGCCTGAACGT[A>G]GAAGTACCACCCACCGAGGAGCTGAAAGACAAGGACAGTGAAGGCTGCCAGCAAGTAGGG-3'
Protein context (NP_000044.2, residues 705-725): FVQLLGGWYF[Tyr715His]VQAYKSLRHR

ClinVar aggregate classification (germline): Uncertain significance. Review status: criteria provided, multiple submitters, no conflicts (2 of 4 stars). 4 submissions from 4 submitters: Uncertain significance (3). 1 of the submissions does not count toward it. Last evaluated 2024-04-17.

Conditions:
Wilson disease (WND). Also called: Wilson's disease. Identifiers: Orphanet 905, MedGen C0019202, MONDO:0010200, OMIM 277900. Disease mechanism: loss of function.

Allele frequency attached by ClinVar (database versions not stated): TOPMed below 0.00001.

Submissions (4):

Women's Health and Genetics/Laboratory Corporation of America, LabCorp
Classification: Uncertain significance. Last evaluated: 2024-04-17. Review status: criteria provided, single submitter. Criteria: LabCorp Variant Classification Summary - May 2015. Collection method: clinical testing. Allele origin: germline.
Comment: Variant summary: ATP7B c.2143T>C (p.Tyr715His) results in a conservative amino acid change in the encoded protein sequence. Four of five in-silico tools predict a damaging effect of the variant on protein function. The variant was absent in 249334 control chromosomes (gnomAD). c.2143T>C has been reported in the literature in individuals affected with Wilson Disease (Folhoffer_2007, Ferenci_2019). These data indicate that the variant may be associated with disease. To our knowledge, no experimental evidence demonstrating an impact on protein function has been reported. The following publications have been ascertained in the context of this evaluation (PMID: 17272994, 30232804). ClinVar contains an entry for this variant (Variation ID: 556966). Based on the evidence outlined above, the variant was classified as VUS-possibly pathogenic.

Genome-Nilou Lab
Classification: Uncertain significance for Wilson disease. Last evaluated: 2021-09-05. Review status: criteria provided, single submitter. Criteria: ACMG Guidelines, 2015. Collection method: clinical testing. Allele origin: germline. Affected: no.

Labcorp Genetics (formerly Invitae), Labcorp
Classification: Uncertain significance for Wilson disease. Last evaluated: 2021-08-31. Review status: criteria provided, single submitter. Criteria: Invitae Variant Classification Sherloc (09022015). Collection method: clinical testing. Allele origin: germline.
Comment: This sequence change replaces tyrosine with histidine at codon 715 of the ATP7B protein (p.Tyr715His). The tyrosine residue is highly conserved and there is a moderate physicochemical difference between tyrosine and histidine. This variant is not present in population databases (ExAC no frequency). This missense change has been observed in individual(s) with Wilson disease (PMID: 14974157, 17272994). ClinVar contains an entry for this variant (Variation ID: 556966). Algorithms developed to predict the effect of missense changes on protein structure and function (SIFT, PolyPhen-2, Align-GVGD) all suggest that this variant is likely to be disruptive. In summary, the available evidence is currently insufficient to determine the role of this variant in disease. Therefore, it has been classified as a Variant of Uncertain Significance.

Counsyl
Classification: Uncertain significance for Wilson disease. Last evaluated: 2018-03-02. Review status: no assertion criteria provided. Collection method: clinical testing. Allele origin: unknown. Not counted in ClinVar's aggregate classification.

Literature cited by the submitters: PubMed 17272994 (cited by 3 submitters); PubMed 30232804 (cited by Women's Health and Genetics/Laboratory Corporation of America, LabCorp); PubMed 14974157 (cited by Labcorp Genetics (formerly Invitae), Labcorp).